The following is an entry in ClinVar:

NM_018993.4(RIN2):c.2627T>C (p.Ile876Thr)

Gene: RIN2 (Ras and Rab interactor 2; plus strand). Cytogenetic location: 20p11.23.
Variant type: single nucleotide variant.
Coding change: c.2627T>C on transcript NM_018993.4 (MANE Select); coding-DNA position 2627, T replaced by C.
Protein change: p.Ile876Thr; replaces isoleucine 876 with threonine.
Molecular consequence: missense variant.
Genome position (GRCh38, 1-based): chr20:20,000,875, T>C. VCF-style: chr20-20000875-T-C. GRCh37 (hg19) VCF-style: chr20-19981519-T-C.
Other names: c.2774T>C, p.Ile925Thr (NM_001242581.2); c.2009T>C, p.Ile670Thr (NM_001378238.1); c.2774T>C (NM_001242581.1); short protein forms I876T, I925T, I670T.
Identifiers: ClinVar variation 425267 (VCV000425267.56), dbSNP rs202076384, ClinGen allele CA9780339.

ClinVar aggregate classification (germline): Uncertain significance. Review status: criteria provided, multiple submitters, no conflicts (2 of 4 stars). 6 submissions from 6 submitters: Uncertain significance (5). 1 of the submissions does not count toward it. Last evaluated 2026-08-13.

Conditions:
Inborn genetic diseases. Identifiers: MedGen C0950123, MeSH D030342.
RIN2-related disorder. Also called: RIN2-related condition.

Allele frequency attached by ClinVar (database versions not stated): 1000 Genomes Project 0.00020; 1000 Genomes Project 30x 0.00031; ExAC 0.00061; ESP Exome Variant Server 0.00064; TOPMed 0.00065; gnomAD 0.00073 and 0.00077; gnomAD exomes 0.00074 and 0.00102.
gnomAD v4.1: 1,602 of 1,613,948 alleles (0.099%); highest among the groups gnomAD compares: Non-Finnish European, 0.12%; no homozygotes.

Submissions (6):

GeneDx
Classification: Uncertain significance. Last evaluated: 2026-08-13. Review status: criteria provided, single submitter. Criteria: GeneDx Variant Classification Process June 2021. Collection method: clinical testing. Allele origin: germline.
Comment: Has not been previously published as pathogenic or benign to our knowledge; In silico analysis suggests that this missense variant does not alter protein structure/function

Clinical Genetics Laboratory, Skane University Hospital Lund
Classification: Uncertain significance. Last evaluated: 2023-09-15. Review status: criteria provided, single submitter. Criteria: ACMG Guidelines, 2015. Collection method: clinical testing. Allele origin: germline. Affected: yes.

Labcorp Genetics (formerly Invitae), Labcorp
Classification: Uncertain significance. Last evaluated: 2022-10-07. Review status: criteria provided, single submitter. Criteria: Invitae Variant Classification Sherloc (09022015). Collection method: clinical testing. Allele origin: germline.
Comment: This sequence change replaces isoleucine, which is neutral and non-polar, with threonine, which is neutral and polar, at codon 876 of the RIN2 protein (p.Ile876Thr). This variant is present in population databases (rs202076384, gnomAD 0.2%), and has an allele count higher than expected for a pathogenic variant. This variant has not been reported in the literature in individuals affected with RIN2-related conditions. ClinVar contains an entry for this variant (Variation ID: 425267). Algorithms developed to predict the effect of missense changes on protein structure and function are either unavailable or do not agree on the potential impact of this missense change (SIFT: "Tolerated"; PolyPhen-2: "Not Available"; Align-GVGD: "Class C0"). In summary, the available evidence is currently insufficient to determine the role of this variant in disease. Therefore, it has been classified as a Variant of Uncertain Significance.

Ambry Genetics
Classification: Uncertain significance for Inborn genetic diseases. Last evaluated: 2022-09-27. Review status: criteria provided, single submitter. Criteria: Ambry Variant Classification Scheme 2023. Collection method: clinical testing. Allele origin: germline.

CeGaT Center for Human Genetics Tuebingen
Classification: Uncertain significance. Last evaluated: 2017-01-01. Review status: criteria provided, single submitter. Criteria: CeGaT Center For Human Genetics Tuebingen Variant Classification Criteria Version 2. Collection method: clinical testing. Allele origin: germline. Affected: yes. Observed: 1 variant allele.

PreventionGenetics, part of Exact Sciences
Classification: Likely benign for RIN2-related condition. Last evaluated: 2022-10-04. Review status: no assertion criteria provided. Collection method: clinical testing. Allele origin: germline. Not counted in ClinVar's aggregate classification.
Comment: This variant is classified as likely benign based on ACMG/AMP sequence variant interpretation guidelines (Richards et al. 2015 PMID: 25741868, with internal and published modifications).